The following is an entry in ClinVar:

ClinVar aggregate classification (germline): Uncertain significance. Review status: criteria provided, multiple submitters, no conflicts (2 of 4 stars). 2 submissions from 2 submitters: Uncertain significance (2). Last evaluated 2025-06-09.

Allele frequency attached by ClinVar (database versions not stated): TOPMed 0.00001; gnomAD exomes 0.00002 and 0.00003; ExAC 0.00003; gnomAD 0.00003 and 0.00004; ESP Exome Variant Server 0.00008.
gnomAD v4.1: 31 of 1,614,054 alleles (0.0019%); highest among the groups gnomAD compares: East Asian, 0.022%; no homozygotes.

Submissions (2):

Labcorp Genetics (formerly Invitae), Labcorp
Classification: Uncertain significance. Last evaluated: 2025-06-09. Review status: criteria provided, single submitter. Criteria: Invitae Variant Classification Sherloc (09022015). Collection method: clinical testing. Allele origin: germline.
Comment: This sequence change replaces threonine, which is neutral and polar, with methionine, which is neutral and non-polar, at codon 176 of the CIB1 protein (p.Thr176Met). This variant is present in population databases (rs368617389, gnomAD 0.02%). This variant has not been reported in the literature in individuals affected with CIB1-related conditions. ClinVar contains an entry for this variant (Variation ID: 1504298). Experimental studies and prediction algorithms are not available or were not evaluated, and the functional significance of this variant is currently unknown. In summary, the available evidence is currently insufficient to determine the role of this variant in disease. Therefore, it has been classified as a Variant of Uncertain Significance.

Ambry Genetics
Classification: Uncertain significance. Last evaluated: 2021-10-27. Review status: criteria provided, single submitter. Criteria: Ambry Variant Classification Scheme 2023. Collection method: clinical testing. Allele origin: germline.

NM_006384.4(CIB1):c.407C>T (p.Thr136Met)

Gene: CIB1 (calcium and integrin binding 1; minus strand). Cytogenetic location: 15q26.1.
Variant type: single nucleotide variant.
Coding change: c.407C>T on transcript NM_006384.4 (MANE Select); coding-DNA position 407, C replaced by T.
Protein change: p.Thr136Met; replaces threonine 136 with methionine.
Molecular consequence: missense variant. On other transcripts: non-coding transcript variant (2).
Genome position (GRCh38, 1-based): chr15:90,231,153, G>A on the plus strand (C>T on the coding strand, the complement: CIB1 is on the minus strand). VCF-style: chr15-90231153-G-A. GRCh37 (hg19) VCF-style: chr15-90774385-G-A.
Other names: c.527C>T, p.Thr176Met (NM_001277764.2); c.407C>T (NM_006384.3); short protein forms T136M, T176M.
Identifiers: ClinVar variation 1504298 (VCV001504298.8), dbSNP rs368617389, ClinGen allele CA7734192.